The following is an entry in ClinVar:

NM_001127208.3(TET2):c.2344G>C (p.Glu782Gln)

Genes: TET2 (tet methylcytosine dioxygenase 2; plus strand), TET2-AS1 (TET2 antisense RNA 1; minus strand). Cytogenetic location: 4q24.
Variant type: single nucleotide variant.
Coding change: c.2344G>C on transcript NM_001127208.3 (MANE Select); coding-DNA position 2344, G replaced by C.
Protein change: p.Glu782Gln; replaces glutamic acid 782 with glutamine.
Molecular consequence: missense variant.
Genome position (GRCh38, 1-based): chr4:105,236,286, G>C. VCF-style: chr4-105236286-G-C. GRCh37 (hg19) VCF-style: chr4-106157443-G-C.
Other names: c.2344G>C, p.Glu782Gln (NM_017628.4); short protein forms E782Q.
Identifiers: ClinVar variation 3806068 (VCV003806068.1).

ClinVar aggregate classification (germline): Uncertain significance (1 of 4 stars; one submission).

Submission:

Ambry Genetics
Classification: Uncertain significance. Last evaluated: 2025-02-16. Review status: criteria provided, single submitter. Criteria: Ambry Variant Classification Scheme 2023. Collection method: clinical testing. Allele origin: germline.
Comment: The p.E782Q variant (also known as c.2344G>C), located in coding exon 1 of the TET2 gene, results from a G to C substitution at nucleotide position 2344. The glutamic acid at codon 782 is replaced by glutamine, an amino acid with highly similar properties. This amino acid position is conserved. In addition, this alteration is predicted to be tolerated by in silico analysis. Based on the available evidence, the clinical significance of this variant remains unclear.